The following is an entry in ClinVar:

ClinVar aggregate classification (germline): Uncertain significance (1 of 4 stars; one submission).

gnomAD v4.1: 2 of 1,614,110 alleles (0.00012%); highest among the groups gnomAD compares: South Asian, 0.0011%; no homozygotes.

Submission:

Mayo Clinic Laboratories, Mayo Clinic
Classification: Uncertain significance. Last evaluated: 2025-03-20. Review status: criteria provided, single submitter. Criteria: ACMG Guidelines, 2015. Collection method: clinical testing. Allele origin: germline. Observed: 1 variant allele.
Comment: BP4, PM2_supporting

NM_145167.3(PIGM):c.121C>T (p.Arg41Trp)

Gene: PIGM (phosphatidylinositol glycan anchor biosynthesis class M; minus strand). Cytogenetic location: 1q23.2.
Variant type: single nucleotide variant.
Coding change: c.121C>T on transcript NM_145167.3 (MANE Select); coding-DNA position 121, C replaced by T.
Protein change: p.Arg41Trp; replaces arginine 41 with tryptophan.
Molecular consequence: missense variant.
Genome position (GRCh38, 1-based): chr1:160,031,619, G>A on the plus strand (C>T on the coding strand, the complement: PIGM is on the minus strand). VCF-style: chr1-160031619-G-A. GRCh37 (hg19) VCF-style: chr1-160001409-G-A.
Other names: p.Arg41Trp; short protein forms R41W.
Identifiers: ClinVar variation 4541770 (VCV004541770.1).